The following is an entry in ClinVar:

ClinVar aggregate classification (germline): Uncertain significance (1 of 4 stars; one submission).

Conditions:
Hereditary diffuse gastric adenocarcinoma (HDGC). Also called: DIFFUSE GASTRIC AND LOBULAR BREAST CANCER SYNDROME. Identifiers: Orphanet 26106, MedGen C1708349, MONDO:0007648, OMIM 137215.

Submission:

Labcorp Genetics (formerly Invitae), Labcorp
Classification: Uncertain significance for Hereditary diffuse gastric adenocarcinoma. Last evaluated: 2023-05-17. Review status: criteria provided, single submitter. Criteria: Invitae Variant Classification Sherloc (09022015). Collection method: clinical testing. Allele origin: germline.
Comment: This sequence change replaces serine, which is neutral and polar, with proline, which is neutral and non-polar, at codon 586 of the CDH1 protein (p.Ser586Pro). In summary, the available evidence is currently insufficient to determine the role of this variant in disease. Therefore, it has been classified as a Variant of Uncertain Significance. An algorithm developed to predict the effect of missense changes on protein structure and function (PolyPhen-2) suggests that this variant is likely to be tolerated. This variant has not been reported in the literature in individuals affected with CDH1-related conditions. This variant is not present in population databases (gnomAD no frequency).

NM_004360.5(CDH1):c.1756T>C (p.Ser586Pro)

Gene: CDH1 (cadherin 1; plus strand). Cytogenetic location: 16q22.1.
Variant type: single nucleotide variant.
Coding change: c.1756T>C on transcript NM_004360.5 (MANE Select); coding-DNA position 1756, T replaced by C.
Protein change: p.Ser586Pro; replaces serine 586 with proline.
Molecular consequence: missense variant. On other transcripts: 5 prime UTR variant (1).
Genome position (GRCh38, 1-based): chr16:68,822,045, T>C. VCF-style: chr16-68822045-T-C. GRCh37 (hg19) VCF-style: chr16-68855948-T-C.
Other names: c.1573T>C, p.Ser525Pro (NM_001317184.2); c.208T>C, p.Ser70Pro (NM_001317185.2); c.-210T>C (NM_001317186.2); short protein forms S525P, S586P, S70P.
Identifiers: ClinVar variation 2865136 (VCV002865136.3), dbSNP rs2152138224, ClinGen allele CA396466464.